The following is an entry in ClinVar:

ClinVar aggregate classification (germline): Uncertain significance (1 of 4 stars; one submission).

Conditions:
Hereditary nonpolyposis colorectal neoplasms. Identifiers: MedGen C0009405, MeSH D003123.

Allele frequency attached by ClinVar (database versions not stated): gnomAD exomes below 0.00001.
gnomAD v4.1: 1 of 1,613,982 alleles (0.000062%); highest among the groups gnomAD compares: Non-Finnish European, 0.000085%; no homozygotes.

Submission:

Labcorp Genetics (formerly Invitae), Labcorp
Classification: Uncertain significance for Hereditary nonpolyposis colorectal neoplasms. Last evaluated: 2023-06-04. Review status: criteria provided, single submitter. Criteria: Invitae Variant Classification Sherloc (09022015). Collection method: clinical testing. Allele origin: germline.
Comment: In summary, the available evidence is currently insufficient to determine the role of this variant in disease. Therefore, it has been classified as a Variant of Uncertain Significance. Advanced modeling of protein sequence and biophysical properties (such as structural, functional, and spatial information, amino acid conservation, physicochemical variation, residue mobility, and thermodynamic stability) performed at Invitae indicates that this missense variant is not expected to disrupt MSH6 protein function. This variant has not been reported in the literature in individuals affected with MSH6-related conditions. This variant is not present in population databases (gnomAD no frequency). This sequence change replaces phenylalanine, which is neutral and non-polar, with leucine, which is neutral and non-polar, at codon 451 of the MSH6 protein (p.Phe451Leu).

NM_000179.3(MSH6):c.1353C>G (p.Phe451Leu)

Gene: MSH6 (mutS homolog 6; plus strand). Cytogenetic location: 2p16.3.
Variant type: single nucleotide variant.
Coding change: c.1353C>G on transcript NM_000179.3 (MANE Select); coding-DNA position 1353, C replaced by G.
Protein change: p.Phe451Leu; replaces phenylalanine 451 with leucine.
Molecular consequence: missense variant. On other transcripts: non-coding transcript variant (4), intron variant (1).
Genome position (GRCh38, 1-based): chr2:47,799,336, C>G. VCF-style: chr2-47799336-C-G. GRCh37 (hg19) VCF-style: chr2-48026475-C-G.
Other names: c.963C>G, p.Phe321Leu (NM_001281492.2); c.447C>G, p.Phe149Leu (NM_001281493.2, NM_001281494.2, NM_001406811.1 and 6 more transcripts); c.1449C>G, p.Phe483Leu (NM_001406795.1, NM_001406802.1); c.1353C>G, p.Phe451Leu (NM_001406796.1, NM_001406798.1, NM_001406800.1 and 4 more transcripts); c.1056C>G, p.Phe352Leu (NM_001406797.1, NM_001406801.1, NM_001406805.1 and 10 more transcripts); c.828C>G, p.Phe276Leu (NM_001406799.1, NM_001406806.1, NM_001406807.1); c.1275C>G, p.Phe425Leu (NM_001406804.1); c.1359C>G, p.Phe453Leu (NM_001406813.1); and 2 more; short protein forms F149L, F453L, F352L, F451L, F483L, F276L, F321L, F395L.
Identifiers: ClinVar variation 2869887 (VCV002869887.3), dbSNP rs1572722687, ClinGen allele CA346744688.
Genomic context (GRCh38, chr2:47,799,336, plus strand): 5'-ATTTTATGAGCTGTACCACATGGATGCTCTTATTGGAGTCAGTGAACTGGGGCTGGTATT[C>G]ATGAAAGGCAACTGGGCCCATTCTGGCTTTCCTGAAATTGCATTTGGCCGTTATTCAGAT-3'
Protein context (NP_000170.1, residues 441-461): LIGVSELGLV[Phe451Leu]MKGNWAHSGF